The following is an entry in ClinVar:

NM_000179.3(MSH6):c.2368G>C (p.Asp790His)

Gene: MSH6 (mutS homolog 6; plus strand). Cytogenetic location: 2p16.3.
Variant type: single nucleotide variant.
Coding change: c.2368G>C on transcript NM_000179.3 (MANE Select); coding-DNA position 2368, G replaced by C.
Protein change: p.Asp790His; replaces aspartic acid 790 with histidine.
Molecular consequence: missense variant.
Genome position (GRCh38, 1-based): chr2:47,800,351, G>C. VCF-style: chr2-47800351-G-C. GRCh37 (hg19) VCF-style: chr2-48027490-G-C.
Other names: c.1978G>C, p.Asp660His (NM_001281492.2); c.1462G>C, p.Asp488His (NM_001281493.2, NM_001281494.2); short protein forms D790H, D488H, D660H.
Identifiers: ClinVar variation 483798 (VCV000483798.5), dbSNP rs1553413730, ClinGen allele CA346753665.

ClinVar aggregate classification (germline): Uncertain significance (1 of 4 stars; one submission).

Conditions:
Hereditary cancer-predisposing syndrome. Also called: Neoplastic Syndromes, Hereditary; Tumor predisposition; Hereditary Cancer Syndrome; Hereditary neoplastic syndrome. Identifiers: Orphanet 140162, MedGen C0027672, MeSH D009386, MONDO:0015356.

gnomAD v4.1: 1 of 1,614,028 alleles (0.000062%); no homozygotes.

Submission:

Ambry Genetics
Classification: Uncertain significance for Hereditary cancer-predisposing syndrome. Last evaluated: 2017-09-14. Review status: criteria provided, single submitter. Criteria: Ambry Variant Classification Scheme 2023. Collection method: clinical testing. Allele origin: germline.
Comment: The p.D790H variant (also known as c.2368G>C), located in coding exon 4 of the MSH6 gene, results from a G to C substitution at nucleotide position 2368. The aspartic acid at codon 790 is replaced by histidine, an amino acid with similar properties. This amino acid position is highly conserved in available vertebrate species. In addition, this alteration is predicted to be deleterious by in silico analysis. In addition, the CoDP in silico tool predicts this alteration is likely to impair molecular function, with a score of 0.750 (Terui H et al. J. Biomed. Sci. 2013 Apr;20:25). Since supporting evidence is limited at this time, the clinical significance of this alteration remains unclear.